The following is an entry in ClinVar:

NM_002693.3(POLG):c.3580A>G (p.Thr1194Ala)

Gene: POLG (DNA polymerase gamma, catalytic subunit; minus strand). Cytogenetic location: 15q26.1.
Variant type: single nucleotide variant.
Coding change: c.3580A>G on transcript NM_002693.3 (MANE Select); coding-DNA position 3580, A replaced by G.
Protein change: p.Thr1194Ala; replaces threonine 1194 with alanine.
Molecular consequence: missense variant.
Genome position (GRCh38, 1-based): chr15:89,317,439, T>C on the plus strand (A>G on the coding strand, the complement: POLG is on the minus strand). VCF-style: chr15-89317439-T-C. GRCh37 (hg19) VCF-style: chr15-89860670-T-C.
Other names: c.3580A>G, p.Thr1194Ala (NM_001126131.2); short protein forms T1194A.
Identifiers: ClinVar variation 999657 (VCV000999657.9), dbSNP rs751698400, ClinGen allele CA7724092.

ClinVar aggregate classification (germline): Uncertain significance (1 of 4 stars; one submission).

Conditions:
Progressive sclerosing poliodystrophy (MTDPS4A). Also called: ALPERS PROGRESSIVE INFANTILE POLIODYSTROPHY; ALPERS DIFFUSE DEGENERATION OF CEREBRAL GRAY MATTER WITH HEPATIC CIRRHOSIS; Alpers-Huttenlocher Syndrome; NEURONAL DEGENERATION OF CHILDHOOD WITH LIVER DISEASE, PROGRESSIVE; Alpers Syndrome; Mitochondrial DNA Depletion Syndrome 4A. Identifiers: Orphanet 726, MedGen C0205710, MONDO:0008758, OMIM 203700.

Allele frequency attached by ClinVar (database versions not stated): gnomAD exomes below 0.00001; ExAC 0.00001.
gnomAD v4.1: 1 of 1,614,078 alleles (0.000062%); highest among the groups gnomAD compares: Non-Finnish European, 0.000085%; no homozygotes.

Submission:

Labcorp Genetics (formerly Invitae), Labcorp
Classification: Uncertain significance for Progressive sclerosing poliodystrophy. Last evaluated: 2021-02-15. Review status: criteria provided, single submitter. Criteria: Invitae Variant Classification Sherloc (09022015). Collection method: clinical testing. Allele origin: germline.
Comment: This variant is present in population databases (rs751698400, ExAC 0.001%). This variant has not been reported in the literature in individuals with POLG-related conditions. Algorithms developed to predict the effect of missense changes on protein structure and function (SIFT, PolyPhen-2, Align-GVGD) all suggest that this variant is likely to be tolerated, but these predictions have not been confirmed by published functional studies and their clinical significance is uncertain. This sequence change replaces threonine with alanine at codon 1194 of the POLG protein (p.Thr1194Ala). The threonine residue is moderately conserved and there is a small physicochemical difference between threonine and alanine. In summary, the available evidence is currently insufficient to determine the role of this variant in disease. Therefore, it has been classified as a Variant of Uncertain Significance.